The following is an entry in ClinVar:

ClinVar aggregate classification (germline): Uncertain significance (1 of 4 stars; one submission).

Conditions:
Fanconi anemia complementation group E (FANCE). Also called: FANCE-Related Fanconi Anemia. Identifiers: Orphanet 84, MedGen C3160739, MONDO:0010953, OMIM 600901.

Submission:

Baylor Genetics
Classification: Uncertain significance for Fanconi anemia complementation group E. Last evaluated: 2018-10-23. Review status: criteria provided, single submitter. Criteria: ACMG Guidelines, 2015. Collection method: clinical testing. Allele origin: paternal. Affected: yes.
Comment: This variant was determined to be of uncertain significance according to ACMG Guidelines, 2015 [PMID:25741868].

NM_021922.3(FANCE):c.1394C>T (p.Thr465Ile)

Gene: FANCE (FA complementation group E; plus strand). Cytogenetic location: 6p21.31.
Variant type: single nucleotide variant.
Coding change: c.1394C>T on transcript NM_021922.3 (MANE Select); coding-DNA position 1394, C replaced by T.
Protein change: p.Thr465Ile; replaces threonine 465 with isoleucine.
Molecular consequence: missense variant.
Genome position (GRCh38, 1-based): chr6:35,462,799, C>T. VCF-style: chr6-35462799-C-T. GRCh37 (hg19) VCF-style: chr6-35430576-C-T.
Other names: short protein forms T465I.
Identifiers: ClinVar variation 1033573 (VCV001033573.1), dbSNP rs1767643426, ClinGen allele CA363777858.